The following is an entry in ClinVar:

NM_000038.6(APC):c.4906G>A (p.Asp1636Asn)

Gene: APC (APC regulator of Wnt signaling pathway; plus strand). Cytogenetic location: 5q22.2.
Variant type: single nucleotide variant.
Coding change: c.4906G>A on transcript NM_000038.6 (MANE Select); coding-DNA position 4906, G replaced by A.
Protein change: p.Asp1636Asn; replaces aspartic acid 1636 with asparagine.
Molecular consequence: missense variant. On other transcripts: non-coding transcript variant (2).
Genome position (GRCh38, 1-based): chr5:112,840,500, G>A. VCF-style: chr5-112840500-G-A. GRCh37 (hg19) VCF-style: chr5-112176197-G-A.
Other names: c.4906G>A, p.Asp1636Asn (NM_001127510.3, NM_001354895.2, NM_001407450.1); c.4852G>A, p.Asp1618Asn (NM_001127511.3); c.4960G>A, p.Asp1654Asn (NM_001354896.2, NM_001407447.1, NM_001407448.1 and 1 more transcripts); c.4936G>A, p.Asp1646Asn (NM_001354897.2); c.4831G>A, p.Asp1611Asn (NM_001354898.2); c.4822G>A, p.Asp1608Asn (NM_001354899.2); c.4783G>A, p.Asp1595Asn (NM_001354900.2); c.4729G>A, p.Asp1577Asn (NM_001354901.2, NM_001407453.1); and 11 more; short protein forms D1252N, D1626N, D1664N, D1353N, D1507N, D1553N, D1608N, D1629N.
Identifiers: ClinVar variation 3408220 (VCV003408220.2).

ClinVar aggregate classification (germline): Uncertain significance. Review status: criteria provided, multiple submitters, no conflicts (2 of 4 stars). 2 submissions from 2 submitters: Uncertain significance (2). Last evaluated 2025-12-24.

Conditions:
Hereditary cancer-predisposing syndrome. Also called: Neoplastic Syndromes, Hereditary; Tumor predisposition; Hereditary Cancer Syndrome; Hereditary neoplastic syndrome. Identifiers: Orphanet 140162, MedGen C0027672, MeSH D009386, MONDO:0015356.
Familial adenomatous polyposis 1 (FAP1). Also called: FAMILIAL ADENOMATOUS POLYPOSIS 1, ATTENUATED; POLYPOSIS, ADENOMATOUS INTESTINAL. Identifiers: MedGen C2713442, MONDO:0021056, OMIM 175100. Disease mechanism: loss of function.

Submissions (2):

Labcorp Genetics (formerly Invitae), Labcorp
Classification: Uncertain significance for Familial adenomatous polyposis 1. Last evaluated: 2025-12-24. Review status: criteria provided, single submitter. Criteria: Invitae Variant Classification Sherloc (09022015). Collection method: clinical testing. Allele origin: germline.
Comment: This sequence change replaces aspartic acid, which is acidic and polar, with asparagine, which is neutral and polar, at codon 1636 of the APC protein (p.Asp1636Asn). This variant is present in population databases (rs730882128, gnomAD 0.0009%). This variant has not been reported in the literature in individuals affected with APC-related conditions. ClinVar contains an entry for this variant (Variation ID: 3408220). Invitae Evidence Modeling of protein sequence and biophysical properties (such as structural, functional, and spatial information, amino acid conservation, physicochemical variation, residue mobility, and thermodynamic stability) indicates that this missense variant is not expected to disrupt APC protein function with a negative predictive value of 95%. In summary, the available evidence is currently insufficient to determine the role of this variant in disease. Therefore, it has been classified as a Variant of Uncertain Significance.

Ambry Genetics
Classification: Uncertain significance for Hereditary cancer-predisposing syndrome. Last evaluated: 2024-07-11. Review status: criteria provided, single submitter. Criteria: Ambry Variant Classification Scheme 2023. Collection method: clinical testing. Allele origin: germline.
Comment: The p.D1636N variant (also known as c.4906G>A), located in coding exon 15 of the APC gene, results from a G to A substitution at nucleotide position 4906. The aspartic acid at codon 1636 is replaced by asparagine, an amino acid with highly similar properties. This amino acid position is not well conserved in available vertebrate species. In addition, in silico predictors for this gene do not accurately predict pathogenicity. Missense alterations in APC are not a common cause of disease (Spier I et al. Genet Med. 2024 Feb;26(2):100992). Based on the available evidence, the clinical significance of this variant remains unclear.